The following is an entry in ClinVar:

NM_001371727.1(GABRB2):c.485T>G (p.Met162Arg)

Gene: GABRB2 (gamma-aminobutyric acid type A receptor subunit beta2; minus strand). Cytogenetic location: 5q34.
Variant type: single nucleotide variant.
Coding change: c.485T>G on transcript NM_001371727.1 (MANE Select); coding-DNA position 485, T replaced by G.
Protein change: p.Met162Arg; replaces methionine 162 with arginine.
Molecular consequence: missense variant.
Genome position (GRCh38, 1-based): chr5:161,411,031, A>C on the plus strand (T>G on the coding strand, the complement: GABRB2 is on the minus strand). VCF-style: chr5-161411031-A-C. GRCh37 (hg19) VCF-style: chr5-160838037-A-C.
Other names: c.485T>G, p.Met162Arg (NM_000813.3, NM_021911.3); short protein forms M162R.
Identifiers: ClinVar variation 426395 (VCV000426395.3), dbSNP rs1085307602, ClinGen allele CA362172237.
Genomic context (GRCh38, chr5:161,411,031, plus strand): 5'-TTACAGCTCTCAATTTCCAAGGTGCAGTTTTGTTCATCCAGTGGGTACCTCCTTAGGTCC[A>C]TCATGCAGGCAGCTGTGGTTGTGATTCTAGAAGACAAATAGCAATGATGAGTGTTGTTAG-3'
Protein context (NP_001358656.1, residues 152-172): LRITTTAACM[Met162Arg]DLRRYPLDEQ

ClinVar aggregate classification (germline): Uncertain significance (1 of 4 stars; one submission).

Submission:

GeneDx
Classification: Uncertain significance. Last evaluated: 2020-07-07. Review status: criteria provided, single submitter. Criteria: GeneDx Variant Classification Process June 2021. Collection method: clinical testing. Allele origin: germline. Affected: yes.
Comment: Not observed in large population cohorts (Lek et al., 2016); In silico analysis supports that this missense variant has a deleterious effect on protein structure/function; Has not been previously published as pathogenic or benign to our knowledge